The following is an entry in ClinVar:

NM_032776.3(JMJD1C):c.105A>C (p.Arg35=)

Genes: JMJD1C-AS1 (JMJD1C antisense RNA 1; plus strand), JMJD1C (jumonji domain containing 1C; minus strand). Cytogenetic location: 10q21.3.
Variant type: single nucleotide variant.
Coding change: c.105A>C on transcript NM_032776.3 (MANE Select); coding-DNA position 105, A replaced by C.
Protein change: p.Arg35=; no amino-acid change (arginine 35 retained).
Molecular consequence: synonymous variant. On other transcripts: non-coding transcript variant (1), intron variant (2).
Genome position (GRCh38, 1-based): chr10:63,465,558, T>G on the plus strand (A>C on the coding strand, the complement: JMJD1C is on the minus strand). VCF-style: chr10-63465558-T-G. GRCh37 (hg19) VCF-style: chr10-65225318-T-G.
Other names: c.105A>C, p.Arg35= (NM_001322252.2); c.-384+56180A>C (NM_001322258.2); c.-379+56180A>C (NM_001318154.2).
Identifiers: ClinVar variation 2640512 (VCV002640512.24), dbSNP rs2494847433, ClinGen allele CA469918883.

ClinVar aggregate classification (germline): Likely benign (1 of 4 stars; one submission).

Submission:

CeGaT Center for Human Genetics Tuebingen
Classification: Likely benign. Last evaluated: 2022-12-01. Review status: criteria provided, single submitter. Criteria: CeGaT Center For Human Genetics Tuebingen Variant Classification Criteria Version 2. Collection method: clinical testing. Allele origin: germline. Affected: yes. Observed: 1 variant allele.
Comment: JMJD1C: PM2:Supporting, BP4, BP7